The following is an entry in ClinVar:

NM_001105206.3(LAMA4):c.3070A>G (p.Ile1024Val)

Gene: LAMA4 (laminin subunit alpha 4; minus strand). Cytogenetic location: 6q21.
Variant type: single nucleotide variant.
Coding change: c.3070A>G on transcript NM_001105206.3 (MANE Select); coding-DNA position 3070, A replaced by G.
Protein change: p.Ile1024Val; replaces isoleucine 1024 with valine.
Molecular consequence: missense variant.
Genome position (GRCh38, 1-based): chr6:112,139,792, T>C on the plus strand (A>G on the coding strand, the complement: LAMA4 is on the minus strand). VCF-style: chr6-112139792-T-C. GRCh37 (hg19) VCF-style: chr6-112460994-T-C.
Other names: c.3049A>G, p.Ile1017Val (NM_001105207.3, NM_002290.5); short protein forms I1017V, I1024V.
Identifiers: ClinVar variation 4738778 (VCV004738778.1).

ClinVar aggregate classification (germline): Uncertain significance (1 of 4 stars; one submission).

Conditions:
Dilated cardiomyopathy 1JJ (CMD1JJ). Identifiers: Orphanet 154, MedGen C3808935, MONDO:0014095, OMIM 615235.

gnomAD v4.1: 2 of 1,614,104 alleles (0.00012%); highest among the groups gnomAD compares: Non-Finnish European, 0.00017%; no homozygotes.

Submission:

Labcorp Genetics (formerly Invitae), Labcorp
Classification: Uncertain significance for Dilated cardiomyopathy 1JJ. Last evaluated: 2025-12-24. Review status: criteria provided, single submitter. Criteria: Invitae Variant Classification Sherloc (09022015). Collection method: clinical testing. Allele origin: germline.
Comment: This sequence change replaces isoleucine, which is neutral and non-polar, with valine, which is neutral and non-polar, at codon 1017 of the LAMA4 protein (p.Ile1017Val). This variant is not present in population databases (gnomAD no frequency). This variant has not been reported in the literature in individuals affected with LAMA4-related conditions. Invitae Evidence Modeling of protein sequence and biophysical properties (such as structural, functional, and spatial information, amino acid conservation, physicochemical variation, residue mobility, and thermodynamic stability) indicates that this missense variant is not expected to disrupt LAMA4 protein function with a negative predictive value of 80%. In summary, the available evidence is currently insufficient to determine the role of this variant in disease. Therefore, it has been classified as a Variant of Uncertain Significance.